The following is an entry in ClinVar:

ClinVar aggregate classification (germline): Uncertain significance (1 of 4 stars; one submission).

Allele frequency attached by ClinVar (database versions not stated): gnomAD 0.00001; TOPMed 0.00001; gnomAD exomes 0.00002.
gnomAD v4.1: 23 of 1,613,832 alleles (0.0014%); highest among the groups gnomAD compares: East Asian, 0.0022%; no homozygotes.

Submission:

Labcorp Genetics (formerly Invitae), Labcorp
Classification: Uncertain significance. Last evaluated: 2023-06-09. Review status: criteria provided, single submitter. Criteria: Invitae Variant Classification Sherloc (09022015). Collection method: clinical testing. Allele origin: germline.
Comment: In summary, the available evidence is currently insufficient to determine the role of this variant in disease. Therefore, it has been classified as a Variant of Uncertain Significance. Advanced modeling of protein sequence and biophysical properties (such as structural, functional, and spatial information, amino acid conservation, physicochemical variation, residue mobility, and thermodynamic stability) performed at Invitae indicates that this missense variant is not expected to disrupt FAT4 protein function. This sequence change replaces alanine, which is neutral and non-polar, with valine, which is neutral and non-polar, at codon 2524 of the FAT4 protein (p.Ala2524Val). This variant is present in population databases (no rsID available, gnomAD 0.007%). This variant has not been reported in the literature in individuals affected with FAT4-related conditions.

NM_001291303.3(FAT4):c.7577C>T (p.Ala2526Val)

Gene: FAT4 (FAT atypical cadherin 4; plus strand). Cytogenetic location: 4q28.1.
Variant type: single nucleotide variant.
Coding change: c.7577C>T on transcript NM_001291303.3 (MANE Select); coding-DNA position 7577, C replaced by T.
Protein change: p.Ala2526Val; replaces alanine 2526 with valine.
Molecular consequence: missense variant.
Genome position (GRCh38, 1-based): chr4:125,448,587, C>T. VCF-style: chr4-125448587-C-T. GRCh37 (hg19) VCF-style: chr4-126369742-C-T.
Other names: c.7577C>T, p.Ala2526Val (NM_001291285.3); c.7571C>T, p.Ala2524Val (NM_024582.6); short protein forms A2526V, A2524V.
Identifiers: ClinVar variation 2870825 (VCV002870825.2), dbSNP rs1265610513, ClinGen allele CA358140398.
Genomic context (GRCh38, chr4:125,448,587, plus strand): 5'-CTCTTTCGGGTAGAAATTCTGAAAAATTTCACATTGACCCACTGAGGGGAGCCATTATGG[C>T]CGCCGGACCACTAAACGGAGCTTCAGAAGTGACATTTTCTGTGCATGTAAAAGATGGTGG-3'
Protein context (NP_001278232.1, residues 2516-2536): HIDPLRGAIM[Ala2526Val]AGPLNGASEV